The following is an entry in ClinVar:

NM_004171.4(SLC1A2):c.1317G>A (p.Ala439=)

Gene: SLC1A2 (solute carrier family 1 member 2; minus strand). Cytogenetic location: 11p13.
Variant type: single nucleotide variant.
Coding change: c.1317G>A on transcript NM_004171.4 (MANE Select); coding-DNA position 1317, G replaced by A.
Protein change: p.Ala439=; no amino-acid change (alanine 439 retained).
Molecular consequence: synonymous variant.
Genome position (GRCh38, 1-based): chr11:35,280,971, C>T on the plus strand (G>A on the coding strand, the complement: SLC1A2 is on the minus strand). VCF-style: chr11-35280971-C-T. GRCh37 (hg19) VCF-style: chr11-35302518-C-T.
Other names: c.1290G>A, p.Ala430= (NM_001195728.3, NM_001252652.2).
Identifiers: ClinVar variation 1593323 (VCV001593323.39), dbSNP rs149714933, ClinGen allele CA5947098.

ClinVar aggregate classification (germline): Benign/Likely benign. Review status: criteria provided, multiple submitters, no conflicts (2 of 4 stars). 2 submissions from 2 submitters: Benign (1); Likely benign (1). Last evaluated 2025-12-21.

Allele frequency attached by ClinVar (database versions not stated): gnomAD exomes 0.00012 and 0.00016; ExAC 0.00015; TOPMed 0.00015; gnomAD 0.00016 and 0.00019; ESP Exome Variant Server 0.00023.
gnomAD v4.1: 199 of 1,610,692 alleles (0.012%); highest among the groups gnomAD compares: South Asian, 0.067%; 1 homozygote.

Submissions (2):

Labcorp Genetics (formerly Invitae), Labcorp
Classification: Benign. Last evaluated: 2025-12-21. Review status: criteria provided, single submitter. Criteria: Invitae Variant Classification Sherloc (09022015). Collection method: clinical testing. Allele origin: germline.

CeGaT Center for Human Genetics Tuebingen
Classification: Likely benign. Last evaluated: 2025-04-01. Review status: criteria provided, single submitter. Criteria: CeGaT Center For Human Genetics Tuebingen Variant Classification Criteria Version 2. Collection method: clinical testing. Allele origin: germline. Affected: yes. Observed: 2 variant alleles.
Comment: SLC1A2: BP4, BP7